The following is an entry in ClinVar:

ClinVar aggregate classification (germline): Uncertain significance (1 of 4 stars; one submission).

Conditions:
Familial adenomatous polyposis 1 (FAP1). Also called: FAMILIAL ADENOMATOUS POLYPOSIS 1, ATTENUATED; POLYPOSIS, ADENOMATOUS INTESTINAL. Identifiers: MedGen C2713442, MONDO:0021056, OMIM 175100. Disease mechanism: loss of function.

Allele frequency attached by ClinVar (database versions not stated): TOPMed 0.00001.
gnomAD v4.1: 9 of 892,226 alleles (0.001%); highest among the groups gnomAD compares: South Asian, 0.0016%; no homozygotes.

Submission:

Labcorp Genetics (formerly Invitae), Labcorp
Classification: Uncertain significance for Familial adenomatous polyposis 1. Last evaluated: 2024-08-28. Review status: criteria provided, single submitter. Criteria: Invitae Variant Classification Sherloc (09022015). Collection method: clinical testing. Allele origin: germline.
Comment: This variant occurs in a non-coding region of the APC gene. It does not change the encoded amino acid sequence of the APC protein. This variant is not present in population databases (gnomAD no frequency). This variant has not been reported in the literature in individuals affected with APC-related conditions. Experimental studies and prediction algorithms are not available or were not evaluated, and the functional significance of this variant is currently unknown. In summary, the available evidence is currently insufficient to determine the role of this variant in disease. Therefore, it has been classified as a Variant of Uncertain Significance.

NM_001127511.3(APC):c.-140C>T

Gene: APC (APC regulator of Wnt signaling pathway; plus strand). Cytogenetic location: 5q22.2.
Variant type: single nucleotide variant.
Coding change: c.-140C>T on transcript NM_001127511.3; 140 bases upstream of the start codon, C replaced by T.
Molecular consequence: 5 prime UTR variant. On other transcripts: non-coding transcript variant (2).
Genome position (GRCh38, 1-based): chr5:112,707,578, C>T. VCF-style: chr5-112707578-C-T. GRCh37 (hg19) VCF-style: chr5-112043275-C-T.
Other names: c.-323C>T (NM_001354895.2, NM_001407447.1, NM_001407452.1 and 3 more transcripts); c.-140C>T (NM_001354897.2, NM_001354902.2, NM_001407446.1); c.-90C>T (NM_001407448.1, NM_001407450.1, NM_001407457.1 and 1 more transcripts); c.-114C>T (NM_001407453.1); c.-1358C>T (NM_001407470.1, NM_001407472.1).
Identifiers: ClinVar variation 1043552 (VCV001043552.9), dbSNP rs775297664, ClinGen allele CA802057093.